The following is an entry in ClinVar:

NM_000548.5(TSC2):c.1766T>G (p.Met589Arg)

Gene: TSC2 (TSC complex subunit 2; plus strand). Cytogenetic location: 16p13.3.
Variant type: single nucleotide variant.
Coding change: c.1766T>G on transcript NM_000548.5 (MANE Select); coding-DNA position 1766, T replaced by G.
Protein change: p.Met589Arg; replaces methionine 589 with arginine.
Molecular consequence: missense variant.
Genome position (GRCh38, 1-based): chr16:2,070,505, T>G. VCF-style: chr16-2070505-T-G. GRCh37 (hg19) VCF-style: chr16-2120506-T-G.
Other names: c.1766T>G, p.Met589Arg (NM_001077183.3, NM_001114382.3, NM_001363528.2 and 3 more transcripts); c.1655T>G, p.Met552Arg (NM_001318827.2); c.1619T>G, p.Met540Arg (NM_001318829.2); c.1166T>G, p.Met389Arg (NM_001318831.2); c.1799T>G, p.Met600Arg (NM_001318832.2); short protein forms M389R, M600R, M552R, M589R, M540R.
Identifiers: ClinVar variation 969402 (VCV000969402.10), dbSNP rs796053487, ClinGen allele CA394272878.
Genomic context (GRCh38, chr16:2,070,505, plus strand): 5'-TCTCTCTGCAGACCAAGCTGTACACCCTGCCTGCAAGCCACGCCACGCGTGTGTATGAGA[T>G]GCTGGTCAGCCACATTCAGCTCCACTACAAGCACAGCTACACCCTGCCAATCGCGAGCAG-3'
Protein context (NP_000539.2, residues 579-599): PASHATRVYE[Met589Arg]LVSHIQLHYK

ClinVar aggregate classification (germline): Uncertain significance (1 of 4 stars; one submission).

Conditions:
Tuberous sclerosis 2 (TSC2). Identifiers: Orphanet 805, MedGen C1860707, MONDO:0013199, OMIM 613254.

Submission:

Labcorp Genetics (formerly Invitae), Labcorp
Classification: Uncertain significance for Tuberous sclerosis 2. Last evaluated: 2022-06-10. Review status: criteria provided, single submitter. Criteria: Invitae Variant Classification Sherloc (09022015). Collection method: clinical testing. Allele origin: germline.
Comment: In summary, the available evidence is currently insufficient to determine the role of this variant in disease. Therefore, it has been classified as a Variant of Uncertain Significance. Algorithms developed to predict the effect of sequence changes on RNA splicing suggest that this variant may create or strengthen a splice site. Advanced modeling of protein sequence and biophysical properties (such as structural, functional, and spatial information, amino acid conservation, physicochemical variation, residue mobility, and thermodynamic stability) performed at Invitae indicates that this missense variant is not expected to disrupt TSC2 protein function. ClinVar contains an entry for this variant (Variation ID: 969402). This variant has not been reported in the literature in individuals affected with TSC2-related conditions. This variant is not present in population databases (gnomAD no frequency). This sequence change replaces methionine, which is neutral and non-polar, with arginine, which is basic and polar, at codon 589 of the TSC2 protein (p.Met589Arg).